The following is an entry in ClinVar:

ClinVar aggregate classification (germline): Uncertain significance (1 of 4 stars; one submission).

Submission:

CeGaT Center for Human Genetics Tuebingen
Classification: Uncertain significance. Last evaluated: 2025-12-01. Review status: criteria provided, single submitter. Criteria: CeGaT Center For Human Genetics Tuebingen Variant Classification Criteria Version 2. Collection method: clinical testing. Allele origin: germline. Affected: yes. Observed: 1 variant allele.
Comment: HUWE1: PM2, PP2

NM_031407.7(HUWE1):c.2911A>G (p.Met971Val)

Gene: HUWE1 (HECT, UBA and WWE domain containing E3 ubiquitin protein ligase 1; minus strand). Cytogenetic location: Xp11.22.
Variant type: single nucleotide variant.
Coding change: c.2911A>G on transcript NM_031407.7 (MANE Select); coding-DNA position 2911, A replaced by G.
Protein change: p.Met971Val; replaces methionine 971 with valine.
Molecular consequence: missense variant.
Genome position (GRCh38, 1-based): chrX:53,602,624, T>C on the plus strand (A>G on the coding strand, the complement: HUWE1 is on the minus strand). VCF-style: chrX-53602624-T-C. GRCh37 (hg19) VCF-style: chrX-53629585-T-C.
Other names: c.2911A>G, p.Met971Val (NM_001441048.1, NM_001441049.1, NM_001441051.1 and 6 more transcripts); c.2932A>G, p.Met978Val (NM_001441050.1, NM_001441055.1); short protein forms M971V, M978V.
Identifiers: ClinVar variation 4681916 (VCV004681916.5).